The following is an entry in ClinVar:

ClinVar aggregate classification (germline): Uncertain significance. Review status: criteria provided, multiple submitters, no conflicts (2 of 4 stars). 2 submissions from 2 submitters: Uncertain significance (2). Last evaluated 2025-04-04.

Conditions:
Inborn genetic diseases. Identifiers: MedGen C0950123, MeSH D030342.

gnomAD v4.1: 22 of 1,613,096 alleles (0.0014%); highest among the groups gnomAD compares: African/African-American, 0.029%; no homozygotes.

Submissions (2):

GeneDx
Classification: Uncertain significance. Last evaluated: 2025-04-04. Review status: criteria provided, single submitter. Criteria: GeneDx Variant Classification Process June 2021. Collection method: clinical testing. Allele origin: germline. Affected: yes.
Comment: In silico analysis indicates that this missense variant does not alter protein structure/function; Has not been previously published as pathogenic or benign to our knowledge

Ambry Genetics
Classification: Uncertain significance for Inborn genetic diseases. Last evaluated: 2025-02-11. Review status: criteria provided, single submitter. Criteria: Ambry Variant Classification Scheme 2023. Collection method: clinical testing. Allele origin: germline.

NM_032229.3(SLITRK6):c.1930G>A (p.Val644Ile)

Gene: SLITRK6 (SLIT and NTRK like family member 6; minus strand). Cytogenetic location: 13q31.1.
Variant type: single nucleotide variant.
Coding change: c.1930G>A on transcript NM_032229.3 (MANE Select); coding-DNA position 1930, G replaced by A.
Protein change: p.Val644Ile; replaces valine 644 with isoleucine.
Molecular consequence: missense variant.
Genome position (GRCh38, 1-based): chr13:85,794,579, C>T on the plus strand (G>A on the coding strand, the complement: SLITRK6 is on the minus strand). VCF-style: chr13-85794579-C-T. GRCh37 (hg19) VCF-style: chr13-86368714-C-T.
Other names: short protein forms V644I.
Identifiers: ClinVar variation 3798730 (VCV003798730.2).